The following is an entry in ClinVar:

NM_018255.4(ELP2):c.2472_2473del (p.Ala825fs)

Gene: ELP2 (elongator acetyltransferase complex subunit 2; plus strand). Cytogenetic location: 18q12.2.
Variant type: Microsatellite.
Coding change: c.2472_2473del on transcript NM_018255.4 (MANE Select); coding-DNA positions 2472 to 2473, 2 bases deleted (TG; older notation c.2472_2473delTG).
Protein change: p.Ala825fs; shifts the reading frame from alanine 825.
Molecular consequence: frameshift variant. On other transcripts: non-coding transcript variant (4).
Genome position (GRCh38, 1-based): chr18:36,174,632-36,174,633, TG deleted; deleting any 2 consecutive bases within chr18:36,174,630-36,174,633 gives the same sequence; the c. name uses the placement nearest the transcript's 3' end. VCF-style (leftmost placement, unchanged base first): chr18-36174629-ATG-A. GRCh37 (hg19) VCF-style: chr18-33754592-ATG-A.
Other names: c.2667_2668del, p.Ala890fs (NM_001242875.3); c.2457_2458del, p.Ala820fs (NM_001242876.3); c.2394_2395del, p.Ala799fs (NM_001242877.3); c.2262_2263del, p.Ala755fs (NM_001242878.3, NM_001242879.3); c.2340_2341del, p.Ala781fs (NM_001324465.2); c.2589_2590del, p.Ala864fs (NM_001324466.2); c.2322_2323del, p.Ala775fs (NM_001324467.2); c.2025_2026del, p.Ala676fs (NM_001324468.2); and 1 more; short protein forms A676fs, A755fs, A775fs, A781fs, A799fs, A820fs, A825fs, A864fs.
Identifiers: ClinVar variation 3233516 (VCV003233516.2), dbSNP rs2511365012, ClinGen allele CA2641527749.

ClinVar aggregate classification (germline): Uncertain significance (1 of 4 stars; one submission).

Submission:

Women's Health and Genetics/Laboratory Corporation of America, LabCorp
Classification: Uncertain significance. Last evaluated: 2024-03-11. Review status: criteria provided, single submitter. Criteria: LabCorp Variant Classification Summary - May 2015. Collection method: clinical testing. Allele origin: germline.
Comment: Variant summary: ELP2 c.2472_2473delTG (p.Ala825ThrfsX16) causes a frameshift which results in an extension of the protein. The variant was absent in 250848 control chromosomes. The available data on variant occurrences in the general population are insufficient to allow any conclusion about variant significance. To our knowledge, no occurrence of c.2472_2473delTG in individuals affected with Mental Retardation, Autosomal Recessive 58 and no experimental evidence demonstrating its impact on protein function have been reported. No submitters have cited clinical-significance assessments for this variant to ClinVar. Based on the evidence outlined above, the variant was classified as uncertain significance.